The following is an entry in ClinVar:

NM_030777.4(SLC2A10):c.1325A>G (p.Glu442Gly)

Gene: SLC2A10 (solute carrier family 2 member 10; plus strand). Cytogenetic location: 20q13.12.
Variant type: single nucleotide variant.
Coding change: c.1325A>G on transcript NM_030777.4 (MANE Select); coding-DNA position 1325, A replaced by G.
Protein change: p.Glu442Gly; replaces glutamic acid 442 with glycine.
Molecular consequence: missense variant.
Genome position (GRCh38, 1-based): chr20:46,726,900, A>G. VCF-style: chr20-46726900-A-G. GRCh37 (hg19) VCF-style: chr20-45355539-A-G.
Other names: short protein forms E442G.
Identifiers: ClinVar variation 1769984 (VCV001769984.5), dbSNP rs2515594774, ClinGen allele CA409271853.

ClinVar aggregate classification (germline): Uncertain significance. Review status: criteria provided, multiple submitters, no conflicts (2 of 4 stars). 2 submissions from 2 submitters: Uncertain significance (2). Last evaluated 2023-02-20.

Conditions:
Familial thoracic aortic aneurysm and aortic dissection (TAAD). Also called: Thoracic aortic aneurysms and dissections. Identifiers: Orphanet 91387, MedGen C4707243, MONDO:0019625.
Arterial tortuosity syndrome (ATORS). Identifiers: Orphanet 3342, MedGen C1859726, MONDO:0008818, OMIM 208050.

Allele frequency attached by ClinVar (database versions not stated): gnomAD exomes below 0.00001.

Submissions (2):

Labcorp Genetics (formerly Invitae), Labcorp
Classification: Uncertain significance for Arterial tortuosity syndrome. Last evaluated: 2023-02-20. Review status: criteria provided, single submitter. Criteria: Invitae Variant Classification Sherloc (09022015). Collection method: clinical testing. Allele origin: germline.
Comment: ClinVar contains an entry for this variant (Variation ID: 1769984). This sequence change replaces glutamic acid, which is acidic and polar, with glycine, which is neutral and non-polar, at codon 442 of the SLC2A10 protein (p.Glu442Gly). This variant is not present in population databases (gnomAD no frequency). This variant has not been reported in the literature in individuals affected with SLC2A10-related conditions. Advanced modeling of protein sequence and biophysical properties (such as structural, functional, and spatial information, amino acid conservation, physicochemical variation, residue mobility, and thermodynamic stability) performed at Invitae indicates that this missense variant is not expected to disrupt SLC2A10 protein function. In summary, the available evidence is currently insufficient to determine the role of this variant in disease. Therefore, it has been classified as a Variant of Uncertain Significance.

Ambry Genetics
Classification: Uncertain significance for Familial thoracic aortic aneurysm and aortic dissection. Last evaluated: 2021-10-01. Review status: criteria provided, single submitter. Criteria: Ambry Variant Classification Scheme 2023. Collection method: clinical testing. Allele origin: germline.
Comment: The p.E442G variant (also known as c.1325A>G), located in coding exon 3 of the SLC2A10 gene, results from an A to G substitution at nucleotide position 1325. The glutamic acid at codon 442 is replaced by glycine, an amino acid with similar properties. This amino acid position is conserved. In addition, this alteration is predicted to be tolerated by in silico analysis. Since supporting evidence is limited at this time, the clinical significance of this alteration remains unclear.